The following is an entry in ClinVar:

ClinVar aggregate classification (germline): Benign. Review status: reviewed by expert panel (3 of 4 stars). 5 submissions from 5 submitters: Benign (1). 4 of the submissions do not count toward it. Last evaluated 2024-04-03.

Conditions:
Immunodeficiency 104. Also called: Severe combined immunodeficiency, autosomal recessive, T cell-negative, B cell-positive, NK cell-positive; Severe Combined Immune Deficiency, Autosomal Recessive, TCell -Negative, B Cell-Positive, NK Cell-Positive, IL7R-Related; SCID, AUTOSOMAL RECESSIVE, T CELL-NEGATIVE, B CELL-POSITIVE, NK CELL-POSITIVE; IMMUNODEFICIENCY 104, SEVERE COMBINED. Identifiers: MedGen C5676890, MONDO:0012163, OMIM 608971.

Allele frequency attached by ClinVar (database versions not stated): gnomAD below 0.00001 and 0.00052; TOPMed 0.00002; ExAC 0.00242; 1000 Genomes Project 30x 0.00344; 1000 Genomes Project 0.00419.
gnomAD v4.1: 1,668 of 1,614,154 alleles (0.1%); highest among the groups gnomAD compares: South Asian, 1.7%; 35 homozygotes.

Submissions (5):

ClinGen Severe Combined Immunodeficiency Variant Curation Expert Panel, ClinGen
Classification: Benign for Immunodeficiency 104. Last evaluated: 2024-04-03. Review status: reviewed by expert panel. Criteria: ClinGen SCID ACMG Specifications IL7R V1.0.0. Collection method: curation. Allele origin: germline. Inheritance: Autosomal recessive inheritance.
Comment: The c.1092T>G (NM_002185.5) variant in IL7R is a missense variant predicted to cause the substitution of Aspartic Acid by Glutamic Acid at amino acid 364 (p.Asp364Glu). The filtering allele frequency (the lower threshold of the 95% CI of 1584/91068 alleles) of the c.1092T>G variant in IL7R is 0.01668 for South Asian chromosomes by gnomAD v4, which is higher than the ClinGen SCID VCEP threshold (>0.00566) for BA1, and therefore meets this criterion (BA1). Additionally, 35 adult homozygous occurrences are described in gnomAD (BS2_Supporting). In summary, this variant meets the criteria to be classified as Benign for autosomal recessive SCID based on the ACMG/AMP criteria applied, as specified by the ClinGen SCID VCEP: BA1 and BS2_Supporting. (VCEP specifications version 1)

Labcorp Genetics (formerly Invitae), Labcorp
Classification: Benign for Immunodeficiency 104. Last evaluated: 2026-01-24. Review status: criteria provided, single submitter. Criteria: Invitae Variant Classification Sherloc (09022015). Collection method: clinical testing. Allele origin: germline. Not counted in ClinVar's aggregate classification.

Mayo Clinic Laboratories, Mayo Clinic
Classification: Benign. Last evaluated: 2025-03-31. Review status: criteria provided, single submitter. Criteria: ACMG Guidelines, 2015. Collection method: clinical testing. Allele origin: germline. Observed: 1 variant allele. Not counted in ClinVar's aggregate classification.
Comment: BA1, BS2_supporting

Illumina Laboratory Services, Illumina
Classification: Benign for Immunodeficiency 104. Last evaluated: 2018-01-13. Review status: criteria provided, single submitter. Criteria: ICSL Variant Classification Criteria 13 December 2019. Collection method: clinical testing. Allele origin: germline. Not counted in ClinVar's aggregate classification.
Comment: This variant was observed in the ICSL laboratory as part of a predisposition screen in an ostensibly healthy population. It had not been previously curated by ICSL or reported in the Human Gene Mutation Database (HGMD: prior to June 1st, 2018), and was therefore a candidate for classification through an automated scoring system. Utilizing variant allele frequency, disease prevalence and penetrance estimates, and inheritance mode, an automated score was calculated to assess if this variant is too frequent to cause the disease. Based on the score and internal cut-off values, a variant classified as benign is not then subjected to further curation. The score for this variant resulted in a classification of benign for this disease.

ITMI
No classification provided. Condition: AllHighlyPenetrant. Last evaluated: 2013-09-19. Review status: no classification provided. Collection method: reference population. Allele origin: germline. Not counted in ClinVar's aggregate classification.
Comment: Please see associated publication for description of ethnicities

Literature cited by the submitters: PubMed 24728327 (cited by ITMI).

NM_002185.5(IL7R):c.1092T>G (p.Asp364Glu)

Gene: IL7R (interleukin 7 receptor; plus strand). Cytogenetic location: 5p13.2.
Variant type: single nucleotide variant.
Coding change: c.1092T>G on transcript NM_002185.5 (MANE Select); coding-DNA position 1092, T replaced by G.
Protein change: p.Asp364Glu; replaces aspartic acid 364 with glutamic acid.
Molecular consequence: missense variant. On other transcripts: non-coding transcript variant (1).
Genome position (GRCh38, 1-based): chr5:35,876,198, T>G. VCF-style: chr5-35876198-T-G. GRCh37 (hg19) VCF-style: chr5-35876300-T-G.
Other names: NM_002185.5(IL7R):c.1092T>G; p.Asp364Glu; short protein forms D364E.
Identifiers: ClinVar variation 134538 (VCV000134538.16), dbSNP rs201216012, ClinGen allele CA160129.